The following is an entry in ClinVar:

ClinVar aggregate classification (germline): Pathogenic (1 of 4 stars; one submission).

Submission:

Labcorp Genetics (formerly Invitae), Labcorp
Classification: Pathogenic. Last evaluated: 2025-03-30. Review status: criteria provided, single submitter. Criteria: Invitae Variant Classification Sherloc (09022015). Collection method: clinical testing. Allele origin: germline.
Comment: This sequence change creates a premature translational stop signal (p.Glu491Argfs*82) in the SPTB gene. It is expected to result in an absent or disrupted protein product. Loss-of-function variants in SPTB are known to be pathogenic (PMID: 1391962, 1498324, 8844207, 26830532, 27292444). This variant is not present in population databases (gnomAD no frequency). This variant has not been reported in the literature in individuals affected with SPTB-related conditions. For these reasons, this variant has been classified as Pathogenic.

Literature cited by the submitters: PubMed 1391962; PubMed 1498324; PubMed 8844207; PubMed 26830532; PubMed 27292444.

NM_001355436.2(SPTB):c.1470del (p.Glu491fs)

Gene: SPTB (spectrin beta, erythrocytic; minus strand). Cytogenetic location: 14q23.3.
Variant type: Deletion.
Coding change: c.1470del on transcript NM_001355436.2 (MANE Select); coding-DNA position 1470, one base deleted (A; older notation c.1470delA).
Protein change: p.Glu491fs; shifts the reading frame from glutamic acid 491.
Molecular consequence: frameshift variant.
Genome position (GRCh38, 1-based): chr14:64,795,511, T deleted on the plus strand (A on the coding strand, the reverse complement: SPTB is on the minus strand); the first of 3 consecutive T bases (chr14:64,795,511-64,795,513); deleting any one gives the same sequence. VCF-style (leftmost placement, unchanged base first): chr14-64795510-CT-C. GRCh37 (hg19) VCF-style: chr14-65262228-CT-C.
Other names: c.1470del, p.Glu491fs (NM_001024858.4, NM_001355437.2); short protein forms E491fs.
Identifiers: ClinVar variation 4716377 (VCV004716377.1).
Genomic context (GRCh38, chr14:64,795,510, plus strand): 5'-TCCATAGGCGCAGTATATTGTCCTTGCGGGCCGTGATGCGCTTCTGGTCATGGTAGTTCT[CT>C]TTCTCCAGCTCCTGAGCCAGGTCCTCCAGGGCTCTCACCCGCTCCTCGTAGGCAGCCGTG-3'